The following is an entry in ClinVar:

ClinVar aggregate classification (germline): Benign/Likely benign. Review status: criteria provided, multiple submitters, no conflicts (2 of 4 stars). 5 submissions from 5 submitters: Benign (1); Likely benign (4). Last evaluated 2025-02-27.

Conditions:
Hereditary cancer-predisposing syndrome. Also called: Tumor predisposition; Hereditary neoplastic syndrome; Neoplastic Syndromes, Hereditary; Hereditary Cancer Syndrome. Identifiers: Orphanet 140162, MedGen C0027672, MeSH D009386, MONDO:0015356.
Multiple endocrine neoplasia, type 2 (MEN2). Identifiers: Orphanet 653, MedGen C4048306, MONDO:0019003. Disease mechanism: gain of function.
Multiple endocrine neoplasia type 2A. Also called: MULTIPLE ENDOCRINE NEOPLASIA, TYPE IIA; PTC SYNDROME; SIPPLE SYNDROME; MEN 2A; MEN-2A syndrome; Pheochromocytoma and amyloid producing medullary thyroid carcinoma. Identifiers: Orphanet 247698, Orphanet 653, MedGen C0025268, MeSH D018813, MONDO:0008234, OMIM 171400.

Submissions (5):

Myriad Genetics, Inc.
Classification: Benign for Multiple endocrine neoplasia type 2A. Last evaluated: 2025-02-27. Review status: criteria provided, single submitter. Criteria: Myriad Autosomal Dominant, Autosomal Recessive and X-Linked Classification Criteria (2023). Collection method: clinical testing. Allele origin: unknown.
Comment: This variant is considered benign. This variant is a silent/synonymous amino acid change and it is not expected to impact splicing.

All of Us Research Program, National Institutes of Health
Classification: Likely benign for Multiple endocrine neoplasia, type 2. Last evaluated: 2023-06-08. Review status: criteria provided, single submitter. Criteria: ACMG Guidelines, 2015. Collection method: clinical testing. Allele origin: germline. Inheritance: Autosomal dominant inheritance. Observed: 1 variant allele, 1 heterozygote.
Comment: This study involves interpretation of variants in research participants for the purpose of population health screening. Participant phenotype was not available at the time of variant classification. Additional details can be found in publication PMID: 35346344, PMCID: PMC8962531

Color Diagnostics, LLC DBA Color Health
Classification: Likely benign for Multiple endocrine neoplasia, type 2. Last evaluated: 2023-05-26. Review status: criteria provided, single submitter. Criteria: ACMG Guidelines, 2015. Collection method: clinical testing. Allele origin: germline.

Labcorp Genetics (formerly Invitae), Labcorp
Classification: Likely benign for Multiple endocrine neoplasia, type 2. Last evaluated: 2022-08-23. Review status: criteria provided, single submitter. Criteria: Invitae Variant Classification Sherloc (09022015). Collection method: clinical testing. Allele origin: germline.

Ambry Genetics
Classification: Likely benign for Hereditary cancer-predisposing syndrome. Last evaluated: 2022-08-13. Review status: criteria provided, single submitter. Criteria: Ambry Variant Classification Scheme 2023. Collection method: clinical testing. Allele origin: germline.

NM_020975.6(RET):c.2409C>A (p.Ile803=)

Gene: RET (ret proto-oncogene; plus strand). Cytogenetic location: 10q11.21.
Variant type: single nucleotide variant.
Coding change: c.2409C>A on transcript NM_020975.6 (MANE Select); coding-DNA position 2409, C replaced by A.
Protein change: p.Ile803=; no amino-acid change (isoleucine 803 retained).
Molecular consequence: synonymous variant.
Genome position (GRCh38, 1-based): chr10:43,119,547, C>A. VCF-style: chr10-43119547-C-A. GRCh37 (hg19) VCF-style: chr10-43614995-C-A.
Other names: c.2409C>A, p.Ile803= (NM_000323.2, NM_001406743.1, NM_001406744.1 and 4 more transcripts); c.1647C>A, p.Ile549= (NM_001355216.2); c.2280C>A, p.Ile760= (NM_001406761.1, NM_001406762.1, NM_001406764.1); c.2274C>A, p.Ile758= (NM_001406763.1, NM_001406765.1); c.2121C>A, p.Ile707= (NM_001406766.1, NM_001406767.1, NM_001406770.1); c.2145C>A, p.Ile715= (NM_001406768.1); c.2013C>A, p.Ile671= (NM_001406769.1, NM_001406772.1); c.1971C>A, p.Ile657= (NM_001406771.1, NM_001406773.1); and 10 more.
Identifiers: ClinVar variation 950459 (VCV000950459.16), dbSNP rs535051804, ClinGen allele CA469479726.